The following is an entry in ClinVar:

ClinVar aggregate classification (germline): Uncertain significance (1 of 4 stars; one submission).

Conditions:
Cataract 14 multiple types. Also called: CATARACT 14, ZONULAR PULVERULENT; CATARACT 14, NUCLEAR PULVERULENT; CATARACT 14, NUCLEAR PULVERULENT AND POSTERIOR POLAR; CATARACT 14, NUCLEAR CORALLIFORM; CATARACT 14, EMBRYONAL NUCLEAR; CATARACT 14, COPPOCK-LIKE. Identifiers: Orphanet 91492, MedGen C1866078, MONDO:0011162, OMIM 601885.

Submission:

Labcorp Genetics (formerly Invitae), Labcorp
Classification: Uncertain significance for Cataract 14 multiple types. Last evaluated: 2020-07-24. Review status: criteria provided, single submitter. Criteria: Invitae Variant Classification Sherloc (09022015). Collection method: clinical testing. Allele origin: germline.
Comment: This sequence change replaces leucine with valine at codon 7 of the GJA3 protein (p.Leu7Val). The leucine residue is highly conserved and there is a small physicochemical difference between leucine and valine. This variant is not present in population databases (ExAC no frequency). This variant has been observed in individual(s) with congenital cataracts (Invitae). Algorithms developed to predict the effect of missense changes on protein structure and function (SIFT, PolyPhen-2, Align-GVGD) all suggest that this variant is likely to be disruptive, but these predictions have not been confirmed by published functional studies and their clinical significance is uncertain. In summary, the available evidence is currently insufficient to determine the role of this variant in disease. Therefore, it has been classified as a Variant of Uncertain Significance.

NM_021954.4(GJA3):c.19C>G (p.Leu7Val)

Gene: GJA3 (gap junction protein alpha 3; minus strand). Cytogenetic location: 13q12.11.
Variant type: single nucleotide variant.
Coding change: c.19C>G on transcript NM_021954.4 (MANE Select); coding-DNA position 19, C replaced by G.
Protein change: p.Leu7Val; replaces leucine 7 with valine.
Molecular consequence: missense variant.
Genome position (GRCh38, 1-based): chr13:20,143,270, G>C on the plus strand (C>G on the coding strand, the complement: GJA3 is on the minus strand). VCF-style: chr13-20143270-G-C. GRCh37 (hg19) VCF-style: chr13-20717409-G-C.
Other names: short protein forms L7V.
Identifiers: ClinVar variation 536415 (VCV000536415.11), dbSNP rs1555339543, ClinGen allele CA387466037.